The following is an entry in ClinVar:

ClinVar aggregate classification (germline): Uncertain significance. Review status: criteria provided, multiple submitters, no conflicts (2 of 4 stars). 2 submissions from 2 submitters: Uncertain significance (2). Last evaluated 2023-04-05.

Conditions:
Arrhythmogenic right ventricular dysplasia 10. Also called: Arrhythmogenic Right Ventricular Dysplasia/Cardiomyopathy10; ARRHYTHMOGENIC RIGHT VENTRICULAR DYSPLASIA, FAMILIAL, 10; Arrhythmogenic right ventricular dysplasia/cardiomyopathy, type 10. Identifiers: MedGen C1857777, MONDO:0012434, OMIM 610193.

gnomAD v4.1: 5 of 1,613,972 alleles (0.00031%); highest among the groups gnomAD compares: Non-Finnish European, 0.00042%; no homozygotes.

Submissions (2):

Blueprint Genetics
Classification: Uncertain significance. Last evaluated: 2023-04-05. Review status: criteria provided, single submitter. Criteria: ACMG Guidelines, 2015. Collection method: clinical testing. Allele origin: germline.

Labcorp Genetics (formerly Invitae), Labcorp
Classification: Uncertain significance for Arrhythmogenic right ventricular dysplasia 10. Last evaluated: 2018-08-08. Review status: criteria provided, single submitter. Criteria: Invitae Variant Classification Sherloc (09022015). Collection method: clinical testing. Allele origin: germline.
Comment: This sequence change replaces alanine with serine at codon 355 of the DSG2 protein (p.Ala355Ser). The alanine residue is weakly conserved and there is a moderate physicochemical difference between alanine and serine. This variant is not present in population databases (ExAC no frequency). This variant has not been reported in the literature in individuals with DSG2-related disease. Algorithms developed to predict the effect of missense changes on protein structure and function (SIFT, PolyPhen-2, Align-GVGD) all suggest that this variant is likely to be tolerated, but these predictions have not been confirmed by published functional studies and their clinical significance is uncertain. In summary, the available evidence is currently insufficient to determine the role of this variant in disease. Therefore, it has been classified as a Variant of Uncertain Significance.

NM_001943.5(DSG2):c.1063G>T (p.Ala355Ser)

Gene: DSG2 (desmoglein 2; plus strand). Cytogenetic location: 18q12.1.
Variant type: single nucleotide variant.
Coding change: c.1063G>T on transcript NM_001943.5 (MANE Select); coding-DNA position 1063, G replaced by T.
Protein change: p.Ala355Ser; replaces alanine 355 with serine.
Molecular consequence: missense variant.
Genome position (GRCh38, 1-based): chr18:31,531,035, G>T. VCF-style: chr18-31531035-G-T. GRCh37 (hg19) VCF-style: chr18-29110998-G-T.
Other names: c.1063G>T (LRG_397t1); short protein forms A355S.
Identifiers: ClinVar variation 655385 (VCV000655385.9), dbSNP rs201046640, ClinGen allele CA402138235.
Genomic context (GRCh38, chr18:31,531,035, plus strand): 5'-TTTCCCTTTCAGGAAGTAGATTATGAAGAAATGAAGAATCTTGACTTCAGTGTTATTGTC[G>T]CTAATAAAGCAGCTTTTCACAAGTCGATTAGGAGTAAATACAAGCCTACACCCATTCCCA-3'
Protein context (NP_001934.2, residues 345-365): MKNLDFSVIV[Ala355Ser]NKAAFHKSIR